The following is an entry in ClinVar:

ClinVar aggregate classification (germline): Uncertain significance (1 of 4 stars; one submission).

Conditions:
Hypertrophic cardiomyopathy. Also called: HYPERTROPHIC MYOCARDIOPATHY. Identifiers: Orphanet 217569, MedGen C0007194, MeSH D002312, MONDO:0005045, HP:0001639.

Submission:

Labcorp Genetics (formerly Invitae), Labcorp
Classification: Uncertain significance for Hypertrophic cardiomyopathy. Last evaluated: 2023-05-16. Review status: criteria provided, single submitter. Criteria: Invitae Variant Classification Sherloc (09022015). Collection method: clinical testing. Allele origin: germline.
Comment: In summary, the available evidence is currently insufficient to determine the role of this variant in disease. Therefore, it has been classified as a Variant of Uncertain Significance. Algorithms developed to predict the effect of sequence changes on RNA splicing suggest that this variant may disrupt the consensus splice site. This variant has not been reported in the literature in individuals affected with MYBPC3-related conditions. This variant is not present in population databases (gnomAD no frequency). This sequence change falls in intron 8 of the MYBPC3 gene. It does not directly change the encoded amino acid sequence of the MYBPC3 protein.

NM_000256.3(MYBPC3):c.852-7T>G

Gene: MYBPC3 (myosin binding protein C3; minus strand). Cytogenetic location: 11p11.2.
Variant type: single nucleotide variant.
Coding change: c.852-7T>G on transcript NM_000256.3 (MANE Select); 7 bases into the intron before coding-DNA position 852, T replaced by G.
Molecular consequence: intron variant.
Genome position (GRCh38, 1-based): chr11:47,347,486, A>C on the plus strand (T>G on the coding strand, the complement: MYBPC3 is on the minus strand). VCF-style: chr11-47347486-A-C. GRCh37 (hg19) VCF-style: chr11-47369037-A-C.
Identifiers: ClinVar variation 2864899 (VCV002864899.3), dbSNP rs2495774164, ClinGen allele CA2739265957.
Genomic context (GRCh38, chr11:47,347,486, plus strand): 5'-CTCTTTTTCAGCAGTGAGCTGAAGTCCAGAATCCCAGTGTCCTCATGGCTATCACTATGG[A>C]GAGGGACCCCCAGTGAGGCTGCAGTGAGGGACTGGAAAGGGATTAGGAGCAGGATGGGAG-3'